The following is an entry in ClinVar:

NM_007294.4(BRCA1):c.5075-3C>G

Gene: BRCA1 (BRCA1 DNA repair associated; minus strand). Cytogenetic location: 17q21.31.
Variant type: single nucleotide variant.
Coding change: c.5075-3C>G on transcript NM_007294.4 (MANE Select); 3 bases into the intron before coding-DNA position 5075, C replaced by G.
Molecular consequence: intron variant.
Genome position (GRCh38, 1-based): chr17:43,063,954, G>C on the plus strand (C>G on the coding strand, the complement: BRCA1 is on the minus strand). VCF-style: chr17-43063954-G-C. GRCh37 (hg19) VCF-style: chr17-41215971-G-C.
Other names: IVS17-3C>G; c.5138-3C>G (NM_001407585.1, NM_007300.4, NM_001407583.1 and 1 more transcripts); c.4805-3C>G (NM_001407936.1, NM_001407934.1, NM_001407935.1); c.4928-3C>G (NM_001407849.1, NM_001407845.1, NM_001407852.1 and 12 more transcripts); c.4931-3C>G (NM_001407744.1, NM_001407750.1, NM_001407732.1 and 21 more transcripts); c.1502-3C>G (NM_001408496.1, NM_001408499.1, NM_001408498.1 and 3 more transcripts); c.4808-3C>G (NM_001407929.1, NM_001407930.1, NM_001407933.1 and 4 more transcripts); c.4811-3C>G (NM_001407924.1, NM_001407920.1, NM_001407923.1 and 4 more transcripts); and 74 more.
Identifiers: ClinVar variation 91637 (VCV000091637.13), dbSNP rs398122690, ClinGen allele CA003209.

ClinVar aggregate classification (germline): Uncertain significance. Review status: criteria provided, single submitter (1 of 4 stars). 2 submissions from 2 submitters: Uncertain significance (1). 1 of the submissions does not count toward it. Last evaluated 2021-05-01.

Conditions:
Breast-ovarian cancer, familial, susceptibility to, 1 (BROVCA1). Also called: BRCA1 Hereditary Breast and Ovarian Cancer; OVARIAN CANCER, SUSCEPTIBILITY TO. Identifiers: Orphanet 145, MedGen C2676676, MONDO:0011450, OMIM 604370. Disease mechanism: loss of function.
Hereditary breast ovarian cancer syndrome. Also called: BRCA1- and BRCA2-Associated Hereditary Breast and Ovarian Cancer; Hereditary breast and ovarian cancer syndrome; Hereditary breast and ovarian cancer syndrome (HBOC); Breast and ovarian cancer; Hereditary breast and/or ovarian cancer syndrome; Hereditary breast and ovarian cancer. Identifiers: Orphanet 145, MedGen C0677776, MeSH D061325, MONDO:0003582. Disease mechanism: loss of function.

Submissions (3):

Labcorp Genetics (formerly Invitae), Labcorp
Classification: Uncertain significance for Hereditary breast ovarian cancer syndrome. Last evaluated: 2021-05-01. Review status: criteria provided, single submitter. Criteria: Invitae Variant Classification Sherloc (09022015). Collection method: clinical testing. Allele origin: germline.
Comment: In summary, the available evidence is currently insufficient to determine the role of this variant in disease. Therefore, it has been classified as a Variant of Uncertain Significance. Nucleotide substitutions within the consensus splice site are a relatively common cause of aberrant splicing (PMID: 17576681, 9536098). Algorithms developed to predict the effect of sequence changes on RNA splicing suggest that this variant may disrupt the consensus splice site, but this prediction has not been confirmed by published transcriptional studies. Experimental studies have shown that this variant affects BRCA1 protein function (PMID: 30209399). This variant has not been reported in the literature in individuals with BRCA1-related conditions. ClinVar contains an entry for this variant (Variation ID: 91637). This variant is not present in population databases (ExAC no frequency). This sequence change falls in intron 16 of the BRCA1 gene. It does not directly change the encoded amino acid sequence of the BRCA1 protein. It affects a nucleotide within the consensus splice site of the intron.

Sharing Clinical Reports Project (SCRP)
Classification: Likely pathogenic for Breast-ovarian cancer, familial 1. Last evaluated: 2011-04-25. Review status: no assertion criteria provided. Collection method: clinical testing. Allele origin: germline. Not counted in ClinVar's aggregate classification.

Brotman Baty Institute, University of Washington
No classification provided (evidence only). Condition: Breast-ovarian cancer, familial 1. Review status: no classification provided. Collection method: in vitro. Allele origin: not applicable. Functional consequence: functionally_abnormal. Not counted in ClinVar's aggregate classification.
ClinVar note: "not provided" was previously submitted as the classification for the variant. However, the classification appeared to be based only on an observation of functional data so it was converted to no classification on 2025-07-30.

Literature cited by the submitters: PubMed 17576681 (cited by Labcorp Genetics (formerly Invitae), Labcorp); PubMed 9536098 (cited by Labcorp Genetics (formerly Invitae), Labcorp); PubMed 30209399 (cited by Labcorp Genetics (formerly Invitae), Labcorp).